The following is an entry in ClinVar:

ClinVar aggregate classification (germline): Uncertain significance (1 of 4 stars; one submission).

Conditions:
Early-infantile DEE. Also called: Early infantile epileptic encephalopathy; Ohtahara syndrome; Early infantile epileptic encephalopathy with suppression bursts. Identifiers: Orphanet 1934, MedGen C0393706, MONDO:0800491.

Allele frequency attached by ClinVar (database versions not stated): TOPMed below 0.00001.

Submission:

Labcorp Genetics (formerly Invitae), Labcorp
Classification: Uncertain significance for Early-infantile DEE. Last evaluated: 2023-12-02. Review status: criteria provided, single submitter. Criteria: Invitae Variant Classification Sherloc (09022015). Collection method: clinical testing. Allele origin: germline.
Comment: This sequence change replaces valine, which is neutral and non-polar, with isoleucine, which is neutral and non-polar, at codon 784 of the SCN8A protein (p.Val784Ile). This variant is not present in population databases (gnomAD no frequency). This variant has not been reported in the literature in individuals affected with SCN8A-related conditions. ClinVar contains an entry for this variant (Variation ID: 1445748). Advanced modeling of protein sequence and biophysical properties (such as structural, functional, and spatial information, amino acid conservation, physicochemical variation, residue mobility, and thermodynamic stability) performed at Invitae indicates that this missense variant is not expected to disrupt SCN8A protein function with a negative predictive value of 95%. In summary, the available evidence is currently insufficient to determine the role of this variant in disease. Therefore, it has been classified as a Variant of Uncertain Significance.

NM_001330260.2(SCN8A):c.2350G>A (p.Val784Ile)

Gene: SCN8A (sodium voltage-gated channel alpha subunit 8; plus strand). Cytogenetic location: 12q13.13.
Variant type: single nucleotide variant.
Coding change: c.2350G>A on transcript NM_001330260.2 (MANE Select); coding-DNA position 2350, G replaced by A.
Protein change: p.Val784Ile; replaces valine 784 with isoleucine.
Molecular consequence: missense variant.
Genome position (GRCh38, 1-based): chr12:51,751,573, G>A. VCF-style: chr12-51751573-G-A. GRCh37 (hg19) VCF-style: chr12-52145357-G-A.
Other names: c.2350G>A, p.Val784Ile (NM_001177984.3, NM_001369788.1, NM_014191.4); short protein forms V784I.
Identifiers: ClinVar variation 1445748 (VCV001445748.9), dbSNP rs1942596077, ClinGen allele CA384880194.
Genomic context (GRCh38, chr12:51,751,573, plus strand): 5'-GTCCTGAATACACTGTTTATGGCAATGGAGCACCATCCTATGACACCACAATTTGAACAT[G>A]TCTTGGCTGTAGGAAATCTGGTAAGATGGAACACTGTCTCCCGATATTAGGATTGGAATG-3'
Protein context (NP_001317189.1, residues 774-794): HHPMTPQFEH[Val784Ile]LAVGNLVFTG